The following is an entry in ClinVar:

NM_007078.3(LDB3):c.245+156A>C

Gene: LDB3 (LIM domain binding 3; plus strand). Cytogenetic location: 10q23.2.
Variant type: single nucleotide variant.
Coding change: c.245+156A>C on transcript NM_007078.3 (MANE Select); 156 bases into the intron after coding-DNA position 245, A replaced by C.
Molecular consequence: intron variant.
Genome position (GRCh38, 1-based): chr10:86,679,674, A>C. VCF-style: chr10-86679674-A-C. GRCh37 (hg19) VCF-style: chr10-88439431-A-C.
Other names: c.245+156A>C (NM_001368064.1, NM_001368063.1, NM_001368068.1 and 8 more transcripts).
Identifiers: ClinVar variation 675652 (VCV000675652.1), dbSNP rs3740344, ClinGen allele CA13294409.

ClinVar aggregate classification (germline): Benign (1 of 4 stars; one submission).

Allele frequency attached by ClinVar (database versions not stated): gnomAD 0.06857 and 0.06448; 1000 Genomes Project 30x 0.07199; TOPMed 0.07269; 1000 Genomes Project 0.06769.
gnomAD v4.1: 9,709 of 152,276 alleles (6.4%); highest among the groups gnomAD compares: African/African-American, 21%; 928 homozygotes.

Submission:

GeneDx
Classification: Benign. Last evaluated: 2018-06-16. Review status: criteria provided, single submitter. Criteria: GeneDx Variant Classification (06012015). Collection method: clinical testing. Allele origin: germline. Affected: yes.
Comment: This variant is considered likely benign or benign based on one or more of the following criteria: it is a conservative change, it occurs at a poorly conserved position in the protein, it is predicted to be benign by multiple in silico algorithms, and/or has population frequency not consistent with disease.